The following is an entry in ClinVar:

ClinVar aggregate classification (germline): Conflicting classifications of pathogenicity. Review status: criteria provided, conflicting classifications (1 of 4 stars). 3 submissions from 3 submitters: Likely pathogenic (2); Uncertain significance (1). Last evaluated 2026-01-15.

Conditions:
Tay-Sachs disease (TSD). Also called: HEXA DEFICIENCY; HEXA Disorders; GM2 gangliosidosis, type 1; Hexosaminidase alpha-subunit deficiency (variant B); Sphingolipidosis, Tay-Sachs; Hexosaminidase A Deficiency. Identifiers: Orphanet 845, MedGen C0039373, MONDO:0010100, OMIM 272800.

Allele frequency attached by ClinVar (database versions not stated): gnomAD exomes below 0.00001; ExAC 0.00001.
gnomAD v4.1: 1 of 1,602,544 alleles (0.000062%); highest among the groups gnomAD compares: Non-Finnish European, 0.000085%; no homozygotes.

Submissions (3):

Variantyx, Inc.
Classification: Likely pathogenic for Tay-Sachs disease. Last evaluated: 2026-01-15. Review status: criteria provided, single submitter. Criteria: Variantyx Assertion Criteria 2022. Collection method: clinical testing. Allele origin: germline. Inheritance: Autosomal recessive inheritance. Affected: yes.
Comment: This is a nonsynonymous variant in the HEXA gene (OMIM: 606869). Pathogenic variants in this gene have been associated with autosomal recessive Tay-Sachs disease (PMID:2848800). The clinical symptoms reported for this individual are highly specific for autosomal recessive Tay-Sachs disease, which has a limited genetic etiology (PP4). Multiple computational algorithms predict a deleterious effect for this variant (REVEL score: 0.858) (PP3), which has a 0.0001% maximum allele frequency in non-founder control populations (PM2). Based on the current evidence, this variant is classified as likely pathogenic for autosomal recessive Tay-Sachs disease.

Women's Health and Genetics/Laboratory Corporation of America, LabCorp
Classification: Uncertain significance. Last evaluated: 2025-06-20. Review status: criteria provided, single submitter. Criteria: LabCorp Variant Classification Summary - May 2015. Collection method: clinical testing. Allele origin: germline.
Comment: Variant summary: HEXA c.677C>T (p.Ser226Phe) results in a non-conservative amino acid change located in the Glycoside hydrolase family 20, catalytic domain of the encoded protein sequence. Algorithms developed to predict the effect of missense changes on protein structure and function all suggest that this variant is likely to be disruptive. The variant allele was found at a frequency of 8e-06 in 251320 control chromosomes (gnomAD). c.677C>T has been observed in individuals affected with Tay-Sachs Disease (internal data). These data indicate that the variant may be associated with disease. To our knowledge, no experimental evidence demonstrating an impact on protein function has been reported. ClinVar contains an entry for this variant (Variation ID: 3251555). Based on the evidence outlined above, the variant was classified as VUS-possibly pathogenic.

Labcorp Genetics (formerly Invitae), Labcorp
Classification: Likely pathogenic for Tay-Sachs disease. Last evaluated: 2024-02-01. Review status: criteria provided, single submitter. Criteria: Invitae Variant Classification Sherloc (09022015). Collection method: clinical testing. Allele origin: germline.
Comment: This sequence change replaces serine, which is neutral and polar, with phenylalanine, which is neutral and non-polar, at codon 226 of the HEXA protein (p.Ser226Phe). This variant is present in population databases (rs769866128, gnomAD 0.003%). This missense change has been observed in individual(s) with adult-onset Tay-Sachs disease (external communication). In at least one individual the data is consistent with being in trans (on the opposite chromosome) from a pathogenic variant. Advanced modeling of protein sequence and biophysical properties (such as structural, functional, and spatial information, amino acid conservation, physicochemical variation, residue mobility, and thermodynamic stability) performed at Invitae indicates that this missense variant is expected to disrupt HEXA protein function with a positive predictive value of 95%. In summary, the currently available evidence indicates that the variant is pathogenic, but additional data are needed to prove that conclusively. Therefore, this variant has been classified as Likely Pathogenic.

Literature cited by the submitters: PubMed 2848800 (cited by Variantyx, Inc.); PubMed 9150157 (cited by Women's Health and Genetics/Laboratory Corporation of America, LabCorp).

NM_000520.6(HEXA):c.677C>T (p.Ser226Phe)

Gene: HEXA (hexosaminidase subunit alpha; minus strand). Cytogenetic location: 15q23.
Variant type: single nucleotide variant.
Coding change: c.677C>T on transcript NM_000520.6 (MANE Select); coding-DNA position 677, C replaced by T.
Protein change: p.Ser226Phe; replaces serine 226 with phenylalanine.
Molecular consequence: missense variant. On other transcripts: non-coding transcript variant (1).
Genome position (GRCh38, 1-based): chr15:72,350,646, G>A on the plus strand (C>T on the coding strand, the complement: HEXA is on the minus strand). VCF-style: chr15-72350646-G-A. GRCh37 (hg19) VCF-style: chr15-72642987-G-A.
Other names: c.710C>T, p.Ser237Phe (NM_001318825.2); short protein forms S226F, S237F.
Identifiers: ClinVar variation 3251555 (VCV003251555.5), dbSNP rs769866128.